The following is an entry in ClinVar:

ClinVar aggregate classification (germline): Uncertain significance. Review status: criteria provided, multiple submitters, no conflicts (2 of 4 stars). 2 submissions from 2 submitters: Uncertain significance (2). Last evaluated 2024-10-24.

Conditions:
Knobloch syndrome 1 (KNO1). Identifiers: MedGen C4551775, MONDO:0800167, OMIM 267750.

gnomAD v4.1: 8 of 1,606,260 alleles (0.0005%); highest among the groups gnomAD compares: Admixed American, 0.0017%; no homozygotes.

Submissions (2):

Labcorp Genetics (formerly Invitae), Labcorp
Classification: Uncertain significance. Last evaluated: 2024-10-24. Review status: criteria provided, single submitter. Criteria: Invitae Variant Classification Sherloc (09022015). Collection method: clinical testing. Allele origin: germline.
Comment: This sequence change replaces arginine with glycine at codon 1219 of the COL18A1 protein (p.Arg1219Gly). There is a moderate physicochemical difference between arginine and glycine. This variant is present in population databases (no rsID available, gnomAD 0.0009%). This variant has not been reported in the literature in individuals affected with COL18A1-related conditions. ClinVar contains an entry for this variant (Variation ID: 1463300). Experimental studies and prediction algorithms are not available or were not evaluated, and the functional significance of this variant is currently unknown. In summary, the available evidence is currently insufficient to determine the role of this variant in disease. Therefore, it has been classified as a Variant of Uncertain Significance.

Department of Pathology and Laboratory Medicine, Sinai Health System
Classification: Uncertain significance for Knobloch syndrome 1. Last evaluated: 2022-02-01. Review status: criteria provided, single submitter. Criteria: ACMG Guidelines, 2015. Collection method: research. Allele origin: germline.

NM_001379500.1(COL18A1):c.3664C>G (p.Arg1222Gly)

Genes: COL18A1 (collagen type XVIII alpha 1 chain; plus strand), SLC19A1 (solute carrier family 19 member 1; minus strand). Cytogenetic location: 21q22.3.
Variant type: single nucleotide variant.
Coding change: c.3664C>G on transcript NM_001379500.1 (MANE Select); coding-DNA position 3664, C replaced by G.
Protein change: p.Arg1222Gly; replaces arginine 1222 with glycine.
Molecular consequence: missense variant.
Genome position (GRCh38, 1-based): chr21:45,510,232, C>G. VCF-style: chr21-45510232-C-G. GRCh37 (hg19) VCF-style: chr21-46930146-C-G.
Other names: c.4195C>G, p.Arg1399Gly (NM_030582.4); c.4900C>G, p.Arg1634Gly (NM_130444.3); short protein forms R1634G, R1222G, R1399G.
Identifiers: ClinVar variation 1463300 (VCV001463300.7), dbSNP rs772118023, ClinGen allele CA321923934.